The following is an entry in ClinVar:

NM_001267550.2(TTN):c.55808C>T (p.Pro18603Leu)

Genes: TTN-AS1 (TTN antisense RNA 1; plus strand), TTN (titin; minus strand). Cytogenetic location: 2q31.2.
Variant type: single nucleotide variant.
Coding change: c.55808C>T on transcript NM_001267550.2 (MANE Select); coding-DNA position 55808, C replaced by T.
Protein change: p.Pro18603Leu; replaces proline 18603 with leucine.
Molecular consequence: missense variant.
Genome position (GRCh38, 1-based): chr2:178,601,096, G>A on the plus strand (C>T on the coding strand, the complement: TTN is on the minus strand). VCF-style: chr2-178601096-G-A. GRCh37 (hg19) VCF-style: chr2-179465823-G-A.
Other names: c.55808C>T (NM_001267550.1); c.50885C>T, p.Pro16962Leu (NM_001256850.1); c.28613C>T, p.Pro9538Leu (NM_003319.4); c.48104C>T, p.Pro16035Leu (NM_133378.4); c.28988C>T, p.Pro9663Leu (NM_133432.3); c.29189C>T, p.Pro9730Leu (NM_133437.4); short protein forms P18603L, P9663L, P16035L, P16962L, P9538L, P9730L.
Identifiers: ClinVar variation 467280 (VCV000467280.7), dbSNP rs531760043, ClinGen allele CA1993379.

ClinVar aggregate classification (germline): Uncertain significance. Review status: criteria provided, multiple submitters, no conflicts (2 of 4 stars). 4 submissions from 4 submitters: Uncertain significance (2). 2 of the submissions do not count toward it. Last evaluated 2022-03-31.

Conditions:
Autosomal recessive limb-girdle muscular dystrophy type 2J (LGMDR10). Also called: Limb-girdle muscular dystrophy, type 2J; MUSCULAR DYSTROPHY, LIMB-GIRDLE, AUTOSOMAL RECESSIVE 10. Identifiers: Orphanet 140922, MedGen C1837342, MONDO:0012127, OMIM 608807.
Dilated cardiomyopathy 1G (CMD1G). Identifiers: Orphanet 154, MedGen C1858763, MONDO:0011400, OMIM 604145.

Allele frequency attached by ClinVar (database versions not stated): TOPMed below 0.00001; gnomAD exomes 0.00001 and 0.00002; ExAC 0.00002.
gnomAD v4.1: 14 of 1,603,170 alleles (0.00087%); highest among the groups gnomAD compares: South Asian, 0.0022%; no homozygotes.

Submissions (4):

GeneDx
Classification: Uncertain significance. Last evaluated: 2022-03-31. Review status: criteria provided, single submitter. Criteria: GeneDx Variant Classification Process June 2021. Collection method: clinical testing. Allele origin: germline. Affected: yes.
Comment: Not observed at significant frequency in large population cohorts (gnomAD); Missense variant in a gene in which most reported pathogenic variants are truncating/loss of function; Has not been previously published as pathogenic or benign to our knowledge

Labcorp Genetics (formerly Invitae), Labcorp
Classification: Uncertain significance for Dilated cardiomyopathy 1G; Autosomal recessive limb-girdle muscular dystrophy type 2J. Last evaluated: 2017-01-25. Review status: criteria provided, single submitter. Criteria: Invitae Variant Classification Sherloc (09022015). Collection method: clinical testing. Allele origin: germline.

Genome Diagnostics Laboratory, University Medical Center Utrecht
Classification: Uncertain significance. Review status: no assertion criteria provided. Collection method: clinical testing. Allele origin: germline. Affected: yes. Study: VKGL Data-share Consensus. Not counted in ClinVar's aggregate classification.

Joint Genome Diagnostic Labs from Nijmegen and Maastricht, Radboudumc and MUMC+
Classification: Uncertain significance. Review status: no assertion criteria provided. Collection method: clinical testing. Allele origin: germline. Affected: yes. Study: VKGL Data-share Consensus. Not counted in ClinVar's aggregate classification.